The following is an entry in ClinVar:

NM_003072.5(SMARCA4):c.4725T>G (p.Ser1575Arg)

Gene: SMARCA4 (SWI/SNF related BAF chromatin remodeling complex subunit ATPase 4; plus strand). Cytogenetic location: 19p13.2.
Variant type: single nucleotide variant.
Coding change: c.4725T>G on transcript NM_003072.5 (MANE Select); coding-DNA position 4725, T replaced by G.
Protein change: p.Ser1575Arg; replaces serine 1575 with arginine.
Molecular consequence: missense variant. On other transcripts: non-coding transcript variant (1).
Genome position (GRCh38, 1-based): chr19:11,059,842, T>G. VCF-style: chr19-11059842-T-G. GRCh37 (hg19) VCF-style: chr19-11170518-T-G.
Other names: c.4725T>G, p.Ser1575Arg (NM_001128844.3); c.4635T>G, p.Ser1545Arg (NM_001128845.2); c.4632T>G, p.Ser1544Arg (NM_001128846.2); c.4626T>G, p.Ser1542Arg (NM_001128847.4, NM_001374457.1); c.4623T>G, p.Ser1541Arg (NM_001128848.2); c.4821T>G, p.Ser1607Arg (NM_001128849.3, NM_001387283.1); short protein forms S1607R, S1542R, S1545R, S1575R, S1541R, S1544R.
Identifiers: ClinVar variation 484938 (VCV000484938.5), dbSNP rs1555795982, ClinGen allele CA404079603.
Genomic context (GRCh38, chr19:11,059,842, plus strand): 5'-GGTCTTCACCAGCGTGCGGCAGAAAATCGAGAAGGAGGATGACAGTGAAGGCGAGGAGAG[T>G]GAGGAGGAGGAAGAGGGCGAGGAGGAAGGCTCCGAATCCGAATGTGAGTCCCGGGGGGGT-3'
Protein context (NP_003063.2, residues 1565-1585): EKEDDSEGEE[Ser1575Arg]EEEEEGEEEG

ClinVar aggregate classification (germline): Uncertain significance (1 of 4 stars; one submission).

Conditions:
Hereditary cancer-predisposing syndrome. Also called: Neoplastic Syndromes, Hereditary; Tumor predisposition; Hereditary Cancer Syndrome; Hereditary neoplastic syndrome. Identifiers: Orphanet 140162, MedGen C0027672, MeSH D009386, MONDO:0015356.

Submission:

Ambry Genetics
Classification: Uncertain significance for Hereditary cancer-predisposing syndrome. Last evaluated: 2016-12-09. Review status: criteria provided, single submitter. Criteria: Ambry Variant Classification Scheme 2023. Collection method: clinical testing. Allele origin: germline.
Comment: The p.S1607R variant (also known as c.4821T>G), located in coding exon 33 of the SMARCA4 gene, results from a T to G substitution at nucleotide position 4821. The serine at codon 1607 is replaced by arginine, an amino acid with dissimilar properties. This amino acid position is highly conserved in available vertebrate species. In addition, this alteration is predicted to be tolerated by in silico analysis. Since supporting evidence is limited at this time, the clinical significance of this alteration remains unclear.